The following is an entry in ClinVar:

NM_000268.4(NF2):c.-60G>T

Genes: NF2 (NF2, moesin-ezrin-radixin like (MERLIN) tumor suppressor; plus strand), LOC130067184 (ATAC-STARR-seq lymphoblastoid silent region 13595; plus strand). Cytogenetic location: 22q12.2.
Variant type: single nucleotide variant.
Coding change: c.-60G>T on transcript NM_000268.4 (MANE Select); 60 bases upstream of the start codon, G replaced by T.
Molecular consequence: 5 prime UTR variant. On other transcripts: non-coding transcript variant (1).
Genome position (GRCh38, 1-based): chr22:29,603,939, G>T. VCF-style: chr22-29603939-G-T. GRCh37 (hg19) VCF-style: chr22-29999928-G-T.
Other names: c.-290G>T (NM_001407053.1, NM_001407056.1); c.-60G>T (NM_001407054.1, NM_001407055.1, NM_001407057.1 and 15 more transcripts); c.-700G>T (NM_001407065.1); c.-316G>T (NM_001407067.1).
Identifiers: ClinVar variation 4997400 (VCV004997400.1).

ClinVar aggregate classification (germline): Uncertain significance (1 of 4 stars; one submission).

Conditions:
NF2-related disorder. Also called: NF2-related condition.

gnomAD v4.1: 1 of 1,340,590 alleles (0.000075%); highest among the groups gnomAD compares: Admixed American, 0.002%; no homozygotes.

Submission:

PreventionGenetics, part of Exact Sciences
Classification: Uncertain significance for NF2-related condition. Last evaluated: 2026-02-20. Review status: criteria provided, single submitter. Criteria: ACMG Guidelines, 2015. Collection method: clinical testing. Allele origin: germline.
Comment: The NF2 c.-60G>T variant is located in the 5' untranslated region. To our knowledge, this variant has not been reported in the literature or in a large population database (gnomAD), indicating this variant is rare. Although evidence is limited, a variant within this 5'UTR region has been documented in individuals with NF2-related disease (see for example: Whiffin et al. 2021. PubMed ID: 32461616; Perez-Becerril et al. 2021. PubMed ID: 34273915). At this time, the clinical significance of the c.-60G>T variant is uncertain due to the absence of conclusive functional and genetic evidence.